The following is an entry in ClinVar:

ClinVar aggregate classification (germline): Uncertain significance (1 of 4 stars; one submission).

Conditions:
Fibrous dysplasia of jaw (CRBM). Also called: Cherubism. Identifiers: Orphanet 184, MedGen C0008029, MONDO:0007315, OMIM 118400.

Submission:

Labcorp Genetics (formerly Invitae), Labcorp
Classification: Uncertain significance for Fibrous dysplasia of jaw. Last evaluated: 2022-04-24. Review status: criteria provided, single submitter. Criteria: Invitae Variant Classification Sherloc (09022015). Collection method: clinical testing. Allele origin: germline.
Comment: In summary, the available evidence is currently insufficient to determine the role of this variant in disease. Therefore, it has been classified as a Variant of Uncertain Significance. Algorithms developed to predict the effect of missense changes on protein structure and function are either unavailable or do not agree on the potential impact of this missense change (SIFT: "Not Available"; PolyPhen-2: "Benign"; Align-GVGD: "Not Available"). This variant has not been reported in the literature in individuals affected with SH3BP2-related conditions. Information on the frequency of this variant in the gnomAD database is not available, as this variant may be reported differently in the database. This sequence change replaces glutamic acid, which is acidic and polar, with arginine, which is basic and polar, at codon 370 of the SH3BP2 protein (p.Glu370Arg).

NM_001122681.2(SH3BP2):c.1108_1109delinsAG (p.Glu370Arg)

Gene: SH3BP2 (SH3 domain binding protein 2; plus strand). Cytogenetic location: 4p16.3.
Variant type: Indel.
Coding change: c.1108_1109delinsAG on transcript NM_001122681.2 (MANE Select); coding-DNA positions 1108 to 1109, GA replaced by AG.
Protein change: p.Glu370Arg; replaces glutamic acid 370 with arginine.
Molecular consequence: missense variant.
Genome position (GRCh38, 1-based): chr4:2,830,014-2,830,015, GA replaced by AG. VCF-style: chr4-2830014-GA-AG. GRCh37 (hg19) VCF-style: chr4-2831741-GA-AG.
Other names: c.1192_1193delinsAG, p.Glu398Arg (NM_001145855.2); c.1279_1280delinsAG, p.Glu427Arg (NM_001145856.2); c.1108_1109delinsAG, p.Glu370Arg (NM_003023.4); short protein forms E398R, E370R, E427R.
Identifiers: ClinVar variation 1972198 (VCV001972198.5), dbSNP rs2530350972, ClinGen allele CA2580070711.